The following is an entry in ClinVar:

NM_001035.3(RYR2):c.10427T>C (p.Ile3476Thr)

Gene: RYR2 (ryanodine receptor 2; plus strand). Cytogenetic location: 1q43.
Variant type: single nucleotide variant.
Coding change: c.10427T>C on transcript NM_001035.3 (MANE Select); coding-DNA position 10427, T replaced by C.
Protein change: p.Ile3476Thr; replaces isoleucine 3476 with threonine.
Molecular consequence: missense variant.
Genome position (GRCh38, 1-based): chr1:237,717,301, T>C. VCF-style: chr1-237717301-T-C. GRCh37 (hg19) VCF-style: chr1-237880601-T-C.
Other names: short protein forms I3476T.
Identifiers: ClinVar variation 229207 (VCV000229207.12), dbSNP rs764621718, ClinGen allele CA084317.
Genomic context (GRCh38, chr1:237,717,301, plus strand): 5'-GAGATCGGTATTCCATGCAGACCTCTCTGATTGTAGCAGCTCTGAAGCGGTTACTGCCCA[T>C]TGGGTTGAACATCTGTGCCCCTGGGGACCAGGAGCTCATTGCTCTGGCCAAAAATCGATT-3'
Protein context (NP_001026.2, residues 3466-3486): IVAALKRLLP[Ile3476Thr]GLNICAPGDQ

ClinVar aggregate classification (germline): Uncertain significance. Review status: criteria provided, multiple submitters, no conflicts (2 of 4 stars). 2 submissions from 2 submitters: Uncertain significance (2). Last evaluated 2023-05-25.

Conditions:
Catecholaminergic polymorphic ventricular tachycardia 1. Also called: VENTRICULAR TACHYCARDIA, STRESS-INDUCED POLYMORPHIC 1; RYR2-Related Catecholaminergic Polymorphic Ventricular Tachycardia; VENTRICULAR TACHYCARDIA, CATECHOLAMINERGIC POLYMORPHIC, 1, WITH OR WITHOUT ATRIAL DYSFUNCTION AND/OR DILATED CARDIOMYOPATHY. Identifiers: Orphanet 3286, MedGen C1631597, MONDO:0011484, OMIM 604772.

Allele frequency attached by ClinVar (database versions not stated): gnomAD exomes below 0.00001 and 0.00001; ExAC 0.00001.

Submissions (2):

Labcorp Genetics (formerly Invitae), Labcorp
Classification: Uncertain significance for Catecholaminergic polymorphic ventricular tachycardia 1. Last evaluated: 2023-05-25. Review status: criteria provided, single submitter. Criteria: Invitae Variant Classification Sherloc (09022015). Collection method: clinical testing. Allele origin: germline.
Comment: In summary, the available evidence is currently insufficient to determine the role of this variant in disease. Therefore, it has been classified as a Variant of Uncertain Significance. Experimental studies have shown that this missense change does not substantially affect RYR2 function (PMID: 33825858). Advanced modeling of protein sequence and biophysical properties (such as structural, functional, and spatial information, amino acid conservation, physicochemical variation, residue mobility, and thermodynamic stability) has been performed at Invitae for this missense variant, however the output from this modeling did not meet the statistical confidence thresholds required to predict the impact of this variant on RYR2 protein function. ClinVar contains an entry for this variant (Variation ID: 229207). This missense change has been observed in individual(s) with clinical features of catecholaminergic polymorphic ventricular tachycardia (PMID: 33825858). This variant is present in population databases (rs764621718, gnomAD 0.0009%). This sequence change replaces isoleucine, which is neutral and non-polar, with threonine, which is neutral and polar, at codon 3476 of the RYR2 protein (p.Ile3476Thr).

Laboratory for Molecular Medicine, Mass General Brigham Personalized Medicine
Classification: Uncertain significance. Last evaluated: 2015-12-04. Review status: criteria provided, single submitter. Criteria: LMM Criteria. Collection method: clinical testing. Allele origin: germline. Observed: 1 variant allele.
Comment: The p.Ile3476Thr variant in RYR2 has not been previously reported in individuals with cardiomyopathy, but has been identified in 1/65724 European chromosomes by the Exome Aggregation Consortium (ExAC). Comput ational prediction tools and conservation analysis suggest that this variant may impact the protein, though this information is not predictive enough to determi ne pathogenicity. In summary, the clinical significance of the p.Ile3476Thr vari ant is uncertain.

Literature cited by the submitters: PubMed 33825858 (cited by Labcorp Genetics (formerly Invitae), Labcorp).